The following is an entry in ClinVar:

NM_000207.3(INS):c.152C>T (p.Thr51Ile)

Genes: INS-IGF2 (INS-IGF2 readthrough; minus strand), INS (insulin; minus strand). Cytogenetic location: 11p15.5.
Variant type: single nucleotide variant.
Coding change: c.152C>T on transcript NM_000207.3 (MANE Select); coding-DNA position 152, C replaced by T.
Protein change: p.Thr51Ile; replaces threonine 51 with isoleucine.
Molecular consequence: missense variant. On other transcripts: non-coding transcript variant (1).
Genome position (GRCh38, 1-based): chr11:2,160,820, G>A on the plus strand (C>T on the coding strand, the complement: INS is on the minus strand). VCF-style: chr11-2160820-G-A. GRCh37 (hg19) VCF-style: chr11-2182050-G-A.
Other names: c.152C>T, p.Thr51Ile (NM_001185097.2, NM_001185098.2, NM_001291897.2 and 1 more transcripts); short protein forms T51I.
Identifiers: ClinVar variation 3615688 (VCV003615688.2).
Genomic context (GRCh38, chr11:2,160,820, plus strand): 5'-GGGCAGCAATGGGCAGTTGGCTCACCCTGCAGGTCCTCTGCCTCCCGGCGGGTCTTGGGT[G>A]TGTAGAAGAAGCCTCGTTCCCCGCACACTAGGTAGAGAGCTTCCACCAGGTGTGAGCCGC-3'
Protein context (NP_000198.1, residues 41-61): LVCGERGFFY[Thr51Ile]PKTRREAEDL

ClinVar aggregate classification (germline): Uncertain significance (1 of 4 stars; one submission).

gnomAD v4.1: 2 of 1,612,624 alleles (0.00012%); highest among the groups gnomAD compares: African/African-American, 0.0027%; no homozygotes.

Submission:

Labcorp Genetics (formerly Invitae), Labcorp
Classification: Uncertain significance. Last evaluated: 2024-08-13. Review status: criteria provided, single submitter. Criteria: Invitae Variant Classification Sherloc (09022015). Collection method: clinical testing. Allele origin: germline.
Comment: This sequence change replaces threonine, which is neutral and polar, with isoleucine, which is neutral and non-polar, at codon 51 of the INS protein (p.Thr51Ile). This variant is present in population databases (rs556809279, gnomAD 0.007%). This variant has not been reported in the literature in individuals affected with INS-related conditions. An algorithm developed to predict the effect of missense changes on protein structure and function outputs the following: PolyPhen-2: "Benign". The isoleucine amino acid residue is found in multiple mammalian species, which suggests that this missense change does not adversely affect protein function. In summary, the available evidence is currently insufficient to determine the role of this variant in disease. Therefore, it has been classified as a Variant of Uncertain Significance.